The following is an entry in ClinVar:

NM_182961.4(SYNE1):c.4528T>C (p.Phe1510Leu)

Gene: SYNE1 (spectrin repeat containing nuclear envelope protein 1; minus strand). Cytogenetic location: 6q25.2.
Variant type: single nucleotide variant.
Coding change: c.4528T>C on transcript NM_182961.4 (MANE Select); coding-DNA position 4528, T replaced by C.
Protein change: p.Phe1510Leu; replaces phenylalanine 1510 with leucine.
Molecular consequence: missense variant.
Genome position (GRCh38, 1-based): chr6:152,430,643, A>G on the plus strand (T>C on the coding strand, the complement: SYNE1 is on the minus strand). VCF-style: chr6-152430643-A-G. GRCh37 (hg19) VCF-style: chr6-152751778-A-G.
Other names: c.4549T>C, p.Phe1517Leu (NM_033071.5); short protein forms F1510L, F1517L.
Identifiers: ClinVar variation 538383 (VCV000538383.8), dbSNP rs1554687302, ClinGen allele CA366142989.

ClinVar aggregate classification (germline): Uncertain significance (1 of 4 stars; one submission).

Conditions:
Autosomal recessive ataxia, Beauce type. Also called: SYNE1-Related Autosomal Recessive Cerebellar Ataxia; Spinocerebellar ataxia, autosomal recessive 8; ATAXIA, RECESSIVE, OF BEAUCE; SYNE1 Deficiency. Identifiers: Orphanet 88644, MedGen C1853116, MONDO:0012549, OMIM 610743.
Emery-Dreifuss muscular dystrophy 4, autosomal dominant (EDMD4). Also called: EMERY-DREIFUSS MUSCULAR DYSTROPHY 4 WITH VARIABLE FEATURES. Identifiers: Orphanet 261, MedGen C2751807, MONDO:0013071, OMIM 612998.

Submission:

Labcorp Genetics (formerly Invitae), Labcorp
Classification: Uncertain significance for Emery-Dreifuss muscular dystrophy 4, autosomal dominant; Autosomal recessive ataxia, Beauce type. Last evaluated: 2017-11-16. Review status: criteria provided, single submitter. Criteria: Invitae Variant Classification Sherloc (09022015). Collection method: clinical testing. Allele origin: germline.
Comment: In summary, the available evidence is currently insufficient to determine the role of this variant in disease. Therefore, it has been classified as a Variant of Uncertain Significance. Algorithms developed to predict the effect of missense changes on protein structure and function do not agree on the potential impact of this missense change (SIFT: "Deleterious"; PolyPhen-2: "Benign"; Align-GVGD: "Class C0"). This variant has not been reported in the literature in individuals with SYNE1-related disease. This variant is not present in population databases (ExAC no frequency). This sequence change replaces phenylalanine with leucine at codon 1517 of the SYNE1 protein (p.Phe1517Leu). The phenylalanine residue is highly conserved and there is a small physicochemical difference between phenylalanine and leucine.